The following is an entry in ClinVar:

ClinVar aggregate classification (germline): Uncertain significance (1 of 4 stars; one submission).

Conditions:
Spastic paraplegia. Identifiers: MedGen C0037772, HP:0001258.

Submission:

Labcorp Genetics (formerly Invitae), Labcorp
Classification: Uncertain significance for Spastic paraplegia. Last evaluated: 2024-11-05. Review status: criteria provided, single submitter. Criteria: Invitae Variant Classification Sherloc (09022015). Collection method: clinical testing. Allele origin: germline.
Comment: This sequence change replaces threonine, which is neutral and polar, with alanine, which is neutral and non-polar, at codon 813 of the SACS protein (p.Thr813Ala). This variant is not present in population databases (gnomAD no frequency). This variant has not been reported in the literature in individuals affected with SACS-related conditions. ClinVar contains an entry for this variant (Variation ID: 2075026). Invitae Evidence Modeling of protein sequence and biophysical properties (such as structural, functional, and spatial information, amino acid conservation, physicochemical variation, residue mobility, and thermodynamic stability) indicates that this missense variant is not expected to disrupt SACS protein function with a negative predictive value of 95%. In summary, the available evidence is currently insufficient to determine the role of this variant in disease. Therefore, it has been classified as a Variant of Uncertain Significance.

NM_014363.6(SACS):c.2437A>G (p.Thr813Ala)

Gene: SACS (sacsin molecular chaperone; minus strand). Cytogenetic location: 13q12.12.
Variant type: single nucleotide variant.
Coding change: c.2437A>G on transcript NM_014363.6 (MANE Select); coding-DNA position 2437, A replaced by G.
Protein change: p.Thr813Ala; replaces threonine 813 with alanine.
Molecular consequence: missense variant.
Genome position (GRCh38, 1-based): chr13:23,341,439, T>C on the plus strand (A>G on the coding strand, the complement: SACS is on the minus strand). VCF-style: chr13-23341439-T-C. GRCh37 (hg19) VCF-style: chr13-23915578-T-C.
Other names: c.1996A>G, p.Thr666Ala (NM_001278055.2); short protein forms T666A, T813A.
Identifiers: ClinVar variation 2075026 (VCV002075026.4), dbSNP rs2542313502, ClinGen allele CA387539033.